The following is an entry in ClinVar:

NM_006019.4(TCIRG1):c.1156del (p.Val386fs)

Gene: TCIRG1 (T cell immune regulator 1, ATPase H+ transporting V0 subunit a3; plus strand). Cytogenetic location: 11q13.2.
Variant type: Deletion.
Coding change: c.1156del on transcript NM_006019.4 (MANE Select); coding-DNA position 1156, one base deleted (G; older notation c.1156delG).
Protein change: p.Val386fs; shifts the reading frame from valine 386.
Molecular consequence: frameshift variant. On other transcripts: intron variant (1).
Genome position (GRCh38, 1-based): chr11:68,045,093, G deleted; the last of 2 consecutive G bases (chr11:68,045,092-68,045,093); deleting either gives the same sequence. VCF-style (leftmost placement, unchanged base first): chr11-68045091-AG-A. GRCh37 (hg19) VCF-style: chr11-67812558-AG-A.
Other names: c.262del, p.Val88fs (NM_001351059.2); c.1156del, p.Val386fs (NM_001440552.1, NM_001440553.1, NM_001440554.1 and 2 more transcripts); c.1114del, p.Val372fs (NM_001440555.1, NM_001440556.1, NM_001440563.1); c.943del, p.Val315fs (NM_001440559.1, NM_001440560.1, NM_001440561.1 and 3 more transcripts); c.901del, p.Val301fs (NM_001440564.1); c.856del, p.Val286fs (NM_001440565.1); c.688del, p.Val230fs (NM_001440568.1); c.508del, p.Val170fs (NM_006053.4); and 1 more; short protein forms V170fs, V230fs, V286fs, V301fs, V315fs, V372fs, V386fs, V88fs.
Identifiers: ClinVar variation 5012765 (VCV005012765.1).

ClinVar aggregate classification (germline): Pathogenic (1 of 4 stars; one submission).

Conditions:
Autosomal recessive osteopetrosis 1. Also called: ALBERS-SCHONBERG DISEASE, AUTOSOMAL RECESSIVE; TCIRG1-Related Autosomal Recessive Osteopetrosis; TCIRG1-Related Osteopetrosis. Identifiers: Orphanet 667, MedGen C1850127, MONDO:0009815, OMIM 259700.

Submission:

Myriad Genetics, Inc.
Classification: Pathogenic for Autosomal recessive osteopetrosis 1. Last evaluated: 2024-02-20. Review status: criteria provided, single submitter. Criteria: Myriad Autosomal Dominant, Autosomal Recessive and X-Linked Classification Criteria (2023). Collection method: clinical testing. Allele origin: unknown.
Comment: NM_006019.3(TCIRG1):c.1156delG(V386Sfs*17) is expected to be pathogenic in the context of autosomal recessive osteopetrosis type 1. This variant is predicted to lead to an abnormal or absent protein product due to the creation of a premature termination codon in TCIRG1, a gene where loss-of-function variants are known to be pathogenic. Please note: this variant was assessed in the context of healthy population screening.